The following is an entry in ClinVar:

ClinVar aggregate classification (germline): Pathogenic (0 of 4 stars; one submission).

Conditions:
Arthrogryposis, renal dysfunction, and cholestasis 2 (ARCS2). Identifiers: Orphanet 2697, MedGen C3150672, MONDO:0013255, OMIM 613404.

Submission:

Pediatric Cardiac ICU, King Abdulaziz Medical City, National Guard Health Affairs
Classification: Pathogenic for Arthrogryposis, renal dysfunction, and cholestasis 2. Last evaluated: 2025-08-25. Review status: no assertion criteria provided. Collection method: research. Allele origin: germline. Inheritance: Autosomal recessive inheritance. Affected: yes. Observed: 1 homozygote.
Comment: The variant c.837-2A>G in VIPAS39 affects the canonical splice acceptor site of exon 8 and is predicted to result in exon skipping. The variant is absent from population databases (gnomAD) and has not been previously reported. Based on ACMG/AMP criteria (PVS1, PM2, PP4), this variant is classified as pathogenic.

Literature cited by the submitters: PubMed 19898482.

NC_000015.10:g.74805276A>G

Variant type: single nucleotide variant.
Genome position: GRCh38 VCF-style: chr15-74805276-A-G. GRCh37 (hg19) VCF-style: chr15-75097617-A-G.
Identifiers: ClinVar variation 4280134 (VCV004280134.1).